The following is an entry in ClinVar:

NM_004839.4(HOMER2):c.920G>A (p.Arg307Gln)

Gene: HOMER2 (homer scaffold protein 2; minus strand). Cytogenetic location: 15q25.2.
Variant type: single nucleotide variant.
Coding change: c.920G>A on transcript NM_004839.4 (MANE Select); coding-DNA position 920, G replaced by A.
Protein change: p.Arg307Gln; replaces arginine 307 with glutamine.
Molecular consequence: missense variant.
Genome position (GRCh38, 1-based): chr15:82,849,827, C>T on the plus strand (G>A on the coding strand, the complement: HOMER2 is on the minus strand). VCF-style: chr15-82849827-C-T. GRCh37 (hg19) VCF-style: chr15-83518579-C-T.
Other names: c.920G>A (NM_004839.3); c.953G>A, p.Arg318Gln (NM_199330.3); short protein forms R318Q, R307Q.
Identifiers: ClinVar variation 3526154 (VCV003526154.2).

ClinVar aggregate classification (germline): Uncertain significance. Review status: criteria provided, multiple submitters, no conflicts (2 of 4 stars). 2 submissions from 2 submitters: Uncertain significance (2). Last evaluated 2024-12-13.

Conditions:
HOMER2-related disorder. Also called: HOMER2-related condition.
Inborn genetic diseases. Identifiers: MedGen C0950123, MeSH D030342.

gnomAD v4.1: 44 of 1,613,814 alleles (0.0027%); highest among the groups gnomAD compares: Middle Eastern, 0.016%; no homozygotes.

Submissions (2):

PreventionGenetics, part of Exact Sciences
Classification: Uncertain significance for HOMER2-related condition. Last evaluated: 2024-12-13. Review status: criteria provided, single submitter. Criteria: ACMG Guidelines, 2015. Collection method: clinical testing. Allele origin: germline.
Comment: The HOMER2 c.920G>A variant is predicted to result in the amino acid substitution p.Arg307Gln. To our knowledge, this variant has not been reported in the literature. This variant is reported in 0.0062% of alleles in individuals of European (Non-Finnish) descent in gnomAD. At this time, the clinical significance of this variant is uncertain due to the absence of conclusive functional and genetic evidence.

Ambry Genetics
Classification: Uncertain significance for Inborn genetic diseases. Last evaluated: 2024-09-10. Review status: criteria provided, single submitter. Criteria: Ambry Variant Classification Scheme 2023. Collection method: clinical testing. Allele origin: germline.